The following is an entry in ClinVar:

ClinVar aggregate classification (germline): Uncertain significance. Review status: criteria provided, multiple submitters, no conflicts (2 of 4 stars). 2 submissions from 2 submitters: Uncertain significance (2). Last evaluated 2024-05-21.

Allele frequency attached by ClinVar (database versions not stated): ExAC 0.00001.
gnomAD v4.1: 12 of 1,614,096 alleles (0.00074%); highest among the groups gnomAD compares: East Asian, 0.0067%; no homozygotes.

Submissions (2):

Blueprint Genetics
Classification: Uncertain significance. Last evaluated: 2024-05-21. Review status: criteria provided, single submitter. Criteria: ACMG Guidelines, 2015. Collection method: clinical testing. Allele origin: germline.

Labcorp Genetics (formerly Invitae), Labcorp
Classification: Uncertain significance. Last evaluated: 2022-06-08. Review status: criteria provided, single submitter. Criteria: Invitae Variant Classification Sherloc (09022015). Collection method: clinical testing. Allele origin: germline.
Comment: This sequence change replaces arginine, which is basic and polar, with tryptophan, which is neutral and slightly polar, at codon 1820 of the ABCA4 protein (p.Arg1820Trp). This variant is present in population databases (rs748806015, gnomAD 0.01%). This variant has not been reported in the literature in individuals affected with ABCA4-related conditions. Algorithms developed to predict the effect of missense changes on protein structure and function (SIFT, PolyPhen-2, Align-GVGD) all suggest that this variant is likely to be tolerated. In summary, the available evidence is currently insufficient to determine the role of this variant in disease. Therefore, it has been classified as a Variant of Uncertain Significance.

NM_000350.3(ABCA4):c.5458C>T (p.Arg1820Trp)

Gene: ABCA4 (ATP binding cassette subfamily A member 4; minus strand). Cytogenetic location: 1p22.1.
Variant type: single nucleotide variant.
Coding change: c.5458C>T on transcript NM_000350.3 (MANE Select); coding-DNA position 5458, C replaced by T.
Protein change: p.Arg1820Trp; replaces arginine 1820 with tryptophan.
Molecular consequence: missense variant.
Genome position (GRCh38, 1-based): chr1:94,014,545, G>A on the plus strand (C>T on the coding strand, the complement: ABCA4 is on the minus strand). VCF-style: chr1-94014545-G-A. GRCh37 (hg19) VCF-style: chr1-94480101-G-A.
Other names: c.5236C>T, p.Arg1746Trp (NM_001425324.1); short protein forms R1820W, R1746W.
Identifiers: ClinVar variation 1913651 (VCV001913651.3), dbSNP rs748806015, ClinGen allele CA957282.